The following is an entry in ClinVar:

NM_012434.5(SLC17A5):c.1432G>A (p.Ala478Thr)

Gene: SLC17A5 (solute carrier family 17 member 5; minus strand). Cytogenetic location: 6q13.
Variant type: single nucleotide variant.
Coding change: c.1432G>A on transcript NM_012434.5 (MANE Select); coding-DNA position 1432, G replaced by A.
Protein change: p.Ala478Thr; replaces alanine 478 with threonine.
Molecular consequence: missense variant.
Genome position (GRCh38, 1-based): chr6:73,595,133, C>T on the plus strand (G>A on the coding strand, the complement: SLC17A5 is on the minus strand). VCF-style: chr6-73595133-C-T. GRCh37 (hg19) VCF-style: chr6-74304856-C-T.
Other names: short protein forms A478T.
Identifiers: ClinVar variation 357920 (VCV000357920.16), dbSNP rs141341430, ClinGen allele CA3890255.

ClinVar aggregate classification (germline): Conflicting classifications of pathogenicity. Review status: criteria provided, conflicting classifications (1 of 4 stars). 6 submissions from 5 submitters: Uncertain significance (4); Likely benign (1). 1 of the submissions does not count toward it. Last evaluated 2026-01-26.

Conditions:
Salla disease (SD). Also called: Less Severe FSASD (Salla Disease); Sialuria, Finnish type; N-acetylneuraminic acid (NANA) storage disease (NSD); Infantile sialic acid storage disorder (ISSD). Identifiers: Orphanet 309334, Orphanet 834, MedGen C1096903, MONDO:0011449, OMIM 604369.
Sialic acid storage disease, severe infantile type (ISSD). Also called: Infantile Sialic Acid Storage Disease; INFANTILE SIALIC ACID STORAGE DISORDER; N-ACETYLNEURAMINIC ACID STORAGE DISEASE; NANA STORAGE DISEASE; SIALURIA, INFANTILE FORM; Free sialic acid storage disease, infantile form. Identifiers: Orphanet 309324, Orphanet 834, MedGen C1096902, MONDO:0010027, OMIM 269920.
SLC17A5-related disorder. Also called: SLC17A5-related condition; SLC17A5-related disorders.

Allele frequency attached by ClinVar (database versions not stated): TOPMed 0.00021; gnomAD exomes 0.00024 and 0.00012; gnomAD 0.00028; ESP Exome Variant Server 0.00023; ExAC 0.00018.
gnomAD v4.1: 234 of 1,613,876 alleles (0.014%); highest among the groups gnomAD compares: African/African-American, 0.045%; 1 homozygote.

Submissions (6):

Labcorp Genetics (formerly Invitae), Labcorp
Classification: Likely benign for Salla disease. Last evaluated: 2026-01-26. Review status: criteria provided, single submitter. Criteria: Invitae Variant Classification Sherloc (09022015). Collection method: clinical testing. Allele origin: germline.

Fulgent Genetics
Classification: Uncertain significance for Sialic acid storage disease, severe infantile type; Salla disease. Last evaluated: 2024-01-16. Review status: criteria provided, single submitter. Criteria: ACMG Guidelines, 2015. Collection method: clinical testing. Allele origin: germline.

Department of Pathology and Laboratory Medicine, Sinai Health System
Classification: Uncertain significance for Sialic acid storage disease, severe infantile type; Salla disease. Last evaluated: 2022-08-19. Review status: criteria provided, single submitter. Criteria: ACMG Guidelines, 2015. Collection method: research. Allele origin: germline.

Illumina Laboratory Services, Illumina
Classification: Uncertain significance for Sialic acid storage disease, severe infantile type. Last evaluated: 2018-01-13. Review status: criteria provided, single submitter. Criteria: ICSL Variant Classification Criteria 13 December 2019. Collection method: clinical testing. Allele origin: germline.

Illumina Laboratory Services, Illumina
Classification: Uncertain significance for Salla disease. Last evaluated: 2018-01-13. Review status: criteria provided, single submitter. Criteria: ICSL Variant Classification Criteria 13 December 2019. Collection method: clinical testing. Allele origin: germline.

PreventionGenetics, part of Exact Sciences
Classification: Likely benign for SLC17A5-related condition. Last evaluated: 2022-02-26. Review status: no assertion criteria provided. Collection method: clinical testing. Allele origin: germline. Not counted in ClinVar's aggregate classification.
Comment: This variant is classified as likely benign based on ACMG/AMP sequence variant interpretation guidelines (Richards et al. 2015 PMID: 25741868, with internal and published modifications).